The following is an entry in ClinVar:

ClinVar aggregate classification (germline): Uncertain significance (1 of 4 stars; one submission).

Conditions:
Deficiency of alpha-mannosidase (MANSA). Also called: Alpha-Mannosidosis; Mannosidosis, alpha-, types I and II; LYSOSOMAL ALPHA-D-MANNOSIDASE DEFICIENCY. Identifiers: Orphanet 61, MedGen C0024748, MONDO:0009561, OMIM 248500.

Allele frequency attached by ClinVar (database versions not stated): gnomAD exomes below 0.00001; gnomAD 0.00001; ExAC 0.00002; 1000 Genomes Project 30x 0.00016; 1000 Genomes Project 0.00020.
gnomAD v4.1: 7 of 1,613,072 alleles (0.00043%); highest among the groups gnomAD compares: South Asian, 0.0033%; no homozygotes.

Submission:

Labcorp Genetics (formerly Invitae), Labcorp
Classification: Uncertain significance for Deficiency of alpha-mannosidase. Last evaluated: 2023-12-11. Review status: criteria provided, single submitter. Criteria: Invitae Variant Classification Sherloc (09022015). Collection method: clinical testing. Allele origin: germline.
Comment: This sequence change replaces arginine, which is basic and polar, with cysteine, which is neutral and slightly polar, at codon 126 of the MAN2B1 protein (p.Arg126Cys). This variant is present in population databases (rs576498138, gnomAD 0.006%). This variant has not been reported in the literature in individuals affected with MAN2B1-related conditions. Advanced modeling of protein sequence and biophysical properties (such as structural, functional, and spatial information, amino acid conservation, physicochemical variation, residue mobility, and thermodynamic stability) has been performed at Invitae for this missense variant, however the output from this modeling did not meet the statistical confidence thresholds required to predict the impact of this variant on MAN2B1 protein function. In summary, the available evidence is currently insufficient to determine the role of this variant in disease. Therefore, it has been classified as a Variant of Uncertain Significance.

NM_000528.4(MAN2B1):c.376C>T (p.Arg126Cys)

Gene: MAN2B1 (mannosidase alpha class 2B member 1; minus strand). Cytogenetic location: 19p13.13.
Variant type: single nucleotide variant.
Coding change: c.376C>T on transcript NM_000528.4 (MANE Select); coding-DNA position 376, C replaced by T.
Protein change: p.Arg126Cys; replaces arginine 126 with cysteine.
Molecular consequence: missense variant.
Genome position (GRCh38, 1-based): chr19:12,665,412, G>A on the plus strand (C>T on the coding strand, the complement: MAN2B1 is on the minus strand). VCF-style: chr19-12665412-G-A. GRCh37 (hg19) VCF-style: chr19-12776226-G-A.
Other names: c.376C>T, p.Arg126Cys (NM_001173498.2); short protein forms R126C.
Identifiers: ClinVar variation 2887543 (VCV002887543.2), dbSNP rs576498138, ClinGen allele CA9226830.